The following is an entry in ClinVar:

NM_017849.4(TMEM127):c.506T>A (p.Val169Asp)

Gene: TMEM127 (transmembrane protein 127; minus strand). Cytogenetic location: 2q11.2.
Variant type: single nucleotide variant.
Coding change: c.506T>A on transcript NM_017849.4 (MANE Select); coding-DNA position 506, T replaced by A.
Protein change: p.Val169Asp; replaces valine 169 with aspartic acid.
Molecular consequence: missense variant.
Genome position (GRCh38, 1-based): chr2:96,254,019, A>T on the plus strand (T>A on the coding strand, the complement: TMEM127 is on the minus strand). VCF-style: chr2-96254019-A-T. GRCh37 (hg19) VCF-style: chr2-96919757-A-T.
Other names: c.506T>A, p.Val169Asp (NM_001193304.3); short protein forms V169D.
Identifiers: ClinVar variation 1428640 (VCV001428640.9), dbSNP rs1364190464, ClinGen allele CA347652667.

ClinVar aggregate classification (germline): Uncertain significance. Review status: criteria provided, multiple submitters, no conflicts (2 of 4 stars). 3 submissions from 3 submitters: Uncertain significance (3). Last evaluated 2024-03-31.

Conditions:
Hereditary pheochromocytoma and paraganglioma. Also called: Hereditary paragangliomas and pheochromocytomas; Hereditary Paraganglioma-Pheochromocytoma Syndromes; Hereditary pheochromocytoma-paraganglioma. Identifiers: Orphanet 29072, MedGen C4274332, MONDO:0017366.
Pheochromocytoma. Also called: MAX-Related Hereditary Paraganglioma-Pheochromocytoma Syndrome. Identifiers: Orphanet 29072, MedGen C0031511, MONDO:0008233, OMIM 171300, HP:0002666.
Hereditary cancer-predisposing syndrome. Also called: Tumor predisposition; Hereditary Cancer Syndrome; Hereditary neoplastic syndrome; Neoplastic Syndromes, Hereditary. Identifiers: Orphanet 140162, MedGen C0027672, MeSH D009386, MONDO:0015356.

Allele frequency attached by ClinVar (database versions not stated): TOPMed below 0.00001; gnomAD 0.00001.
gnomAD v4.1: 1 of 1,614,004 alleles (0.000062%); highest among the groups gnomAD compares: Non-Finnish European, 0.000085%; no homozygotes.

Submissions (3):

Labcorp Genetics (formerly Invitae), Labcorp
Classification: Uncertain significance for Hereditary pheochromocytoma and paraganglioma. Last evaluated: 2024-03-31. Review status: criteria provided, single submitter. Criteria: Invitae Variant Classification Sherloc (09022015). Collection method: clinical testing. Allele origin: germline.
Comment: This sequence change replaces valine, which is neutral and non-polar, with aspartic acid, which is acidic and polar, at codon 169 of the TMEM127 protein (p.Val169Asp). This variant is not present in population databases (gnomAD no frequency). This variant has not been reported in the literature in individuals affected with TMEM127-related conditions. ClinVar contains an entry for this variant (Variation ID: 1428640). An algorithm developed to predict the effect of missense changes on protein structure and function (PolyPhen-2) suggests that this variant is likely to be disruptive. In summary, the available evidence is currently insufficient to determine the role of this variant in disease. Therefore, it has been classified as a Variant of Uncertain Significance.

Baylor Genetics
Classification: Uncertain significance for Pheochromocytoma. Last evaluated: 2023-09-13. Review status: criteria provided, single submitter. Criteria: ACMG Guidelines, 2015. Collection method: clinical testing. Allele origin: unknown.

Ambry Genetics
Classification: Uncertain significance for Hereditary cancer-predisposing syndrome. Last evaluated: 2022-09-21. Review status: criteria provided, single submitter. Criteria: Ambry Variant Classification Scheme 2023. Collection method: clinical testing. Allele origin: germline.
Comment: The p.V169D variant (also known as c.506T>A), located in coding exon 3 of the TMEM127 gene, results from a T to A substitution at nucleotide position 506. The valine at codon 169 is replaced by aspartic acid, an amino acid with highly dissimilar properties. This amino acid position is conserved. In addition, this alteration is predicted to be deleterious by in silico analysis. Since supporting evidence is limited at this time, the clinical significance of this alteration remains unclear.